The following is an entry in ClinVar:

NM_001130144.3(LTBP3):c.485G>C (p.Gly162Ala)

Gene: LTBP3 (latent transforming growth factor beta binding protein 3; minus strand). Cytogenetic location: 11q13.1.
Variant type: single nucleotide variant.
Coding change: c.485G>C on transcript NM_001130144.3 (MANE Select); coding-DNA position 485, G replaced by C.
Protein change: p.Gly162Ala; replaces glycine 162 with alanine.
Molecular consequence: missense variant.
Genome position (GRCh38, 1-based): chr11:65,554,227, C>G on the plus strand (G>C on the coding strand, the complement: LTBP3 is on the minus strand). VCF-style: chr11-65554227-C-G. GRCh37 (hg19) VCF-style: chr11-65321698-C-G.
Other names: c.485G>C (NM_001130144.2); c.134G>C, p.Gly45Ala (NM_001164266.1); c.485G>C, p.Gly162Ala (NM_021070.4); short protein forms G162A, G45A.
Identifiers: ClinVar variation 1444271 (VCV001444271.8), dbSNP rs371177340, ClinGen allele CA6101222.

ClinVar aggregate classification (germline): Uncertain significance. Review status: criteria provided, multiple submitters, no conflicts (2 of 4 stars). 3 submissions from 3 submitters: Uncertain significance (3). Last evaluated 2025-12-28.

Conditions:
Brachyolmia-amelogenesis imperfecta syndrome. Also called: PLATYSPONDYLY WITH AMELOGENESIS IMPERFECTA; Tooth agenesis, selective, 6; Dental anomalies and short stature. Identifiers: Orphanet 2899, MedGen C1832594, MONDO:0011018, OMIM 601216. Disease mechanism: loss of function.
Inborn genetic diseases. Identifiers: MedGen C0950123, MeSH D030342.

Allele frequency attached by ClinVar (database versions not stated): ExAC 0.00008; gnomAD exomes 0.00011; 1000 Genomes Project 30x 0.00016; ESP Exome Variant Server 0.00016; gnomAD 0.00035 and 0.00038; TOPMed 0.00039.
gnomAD v4.1: 175 of 1,610,012 alleles (0.011%); highest among the groups gnomAD compares: African/African-American, 0.12%; no homozygotes.

Submissions (3):

Labcorp Genetics (formerly Invitae), Labcorp
Classification: Uncertain significance for Brachyolmia-amelogenesis imperfecta syndrome. Last evaluated: 2025-12-28. Review status: criteria provided, single submitter. Criteria: Invitae Variant Classification Sherloc (09022015). Collection method: clinical testing. Allele origin: germline.
Comment: This sequence change replaces glycine, which is neutral and non-polar, with alanine, which is neutral and non-polar, at codon 162 of the LTBP3 protein (p.Gly162Ala). This variant is present in population databases (rs371177340, gnomAD 0.1%). This variant has not been reported in the literature in individuals affected with LTBP3-related conditions. ClinVar contains an entry for this variant (Variation ID: 1444271). An algorithm developed to predict the effect of missense changes on protein structure and function outputs the following: PolyPhen-2: "Benign". The alanine amino acid residue is found in multiple mammalian species, which suggests that this missense change does not adversely affect protein function. In summary, the available evidence is currently insufficient to determine the role of this variant in disease. Therefore, it has been classified as a Variant of Uncertain Significance.

Ambry Genetics
Classification: Uncertain significance for Inborn genetic diseases. Last evaluated: 2022-12-28. Review status: criteria provided, single submitter. Criteria: Ambry Variant Classification Scheme 2023. Collection method: clinical testing. Allele origin: germline.

Breakthrough Genomics
Classification: Uncertain significance. Review status: criteria provided, single submitter. Criteria: ACMG Guidelines, 2015. Collection method: not provided. Allele origin: germline. Inheritance: Autosomal recessive inheritance. Affected: yes.